The following is an entry in ClinVar:

NM_001363711.2(DUOX2):c.1871del (p.Gly624fs)

Gene: DUOX2 (dual oxidase 2; minus strand). Cytogenetic location: 15q21.1.
Variant type: Deletion.
Coding change: c.1871del on transcript NM_001363711.2 (MANE Select); coding-DNA position 1871, one base deleted (G; older notation c.1871delG).
Protein change: p.Gly624fs; shifts the reading frame from glycine 624.
Molecular consequence: frameshift variant.
Genome position (GRCh38, 1-based): chr15:45,106,602, C deleted on the plus strand (G on the coding strand, the reverse complement: DUOX2 is on the minus strand); the first of 4 consecutive C bases (chr15:45,106,602-45,106,605); deleting any one gives the same sequence. VCF-style (leftmost placement, unchanged base first): chr15-45106601-GC-G. GRCh37 (hg19) VCF-style: chr15-45398799-GC-G.
Other names: c.1871del, p.Gly624fs (NM_014080.5); c.1871del (NM_014080.4); short protein forms G624fs.
Identifiers: ClinVar variation 2736207 (VCV002736207.11), dbSNP rs769258094, ClinGen allele CA7538465.
Genomic context (GRCh38, chr15:45,106,601, plus strand): 5'-TTTGGCTGCTTCCTTCTTCACGCTCTCTTTGAGTTTCTTTTGTAGCTTCTTGTGTTCTCG[GC>G]CCCGGAAATAGGCCACCACTCCAGAGAGAAGCAGACTCACTGAAGTGGATCAGAAGGAAC-3'

ClinVar aggregate classification (germline): Pathogenic/Likely pathogenic. Review status: criteria provided, multiple submitters, no conflicts (2 of 4 stars). 5 submissions from 5 submitters: Pathogenic (4); Likely pathogenic (1). Last evaluated 2025-04-29.

Conditions:
Thyroid dyshormonogenesis 6 (TDH6). Also called: Genetic transient congenital hypothyroidism; THYROID HORMONOGENESIS, GENETIC DEFECT IN, 6; HYPOTHYROIDISM, CONGENITAL, DUE TO DYSHORMONOGENESIS, 6. Identifiers: Orphanet 226316, Orphanet 95716, MedGen C1846632, MONDO:0011792, OMIM 607200.

Submissions (5):

Revvity Omics, Revvity
Classification: Likely pathogenic for Thyroid dyshormonogenesis 6. Last evaluated: 2025-04-29. Review status: criteria provided, single submitter. Criteria: ACMG Guidelines, 2015. Collection method: clinical testing. Allele origin: germline.

Labcorp Genetics (formerly Invitae), Labcorp
Classification: Pathogenic. Last evaluated: 2025-04-10. Review status: criteria provided, single submitter. Criteria: Invitae Variant Classification Sherloc (09022015). Collection method: clinical testing. Allele origin: germline.
Comment: This sequence change creates a premature translational stop signal (p.Gly624Alafs*15) in the DUOX2 gene. It is expected to result in an absent or disrupted protein product. Loss-of-function variants in DUOX2 are known to be pathogenic (PMID: 12110737, 18765513, 21565790, 24423310, 24735383). This variant is present in population databases (rs769258094, gnomAD 0.05%). This premature translational stop signal has been observed in individual(s) with clinical features of thyroid dyshormonogenesis (PMID: 21900383, 32319661). ClinVar contains an entry for this variant (Variation ID: 2736207). For these reasons, this variant has been classified as Pathogenic.

GeneDx
Classification: Pathogenic. Last evaluated: 2025-01-03. Review status: criteria provided, single submitter. Criteria: GeneDx Variant Classification Process June 2021. Collection method: clinical testing. Allele origin: germline. Affected: yes.
Comment: Frameshift variant predicted to result in protein truncation or nonsense mediated decay in a gene for which loss of function is a known mechanism of disease; Published functional studies demonstrate a damaging effect (PMID: 34564849); This variant is associated with the following publications: (PMID: 34200080, 29650690, 21900383, 32319661, 34564849)

Fulgent Genetics
Classification: Pathogenic for Thyroid dyshormonogenesis 6. Last evaluated: 2024-05-17. Review status: criteria provided, single submitter. Criteria: ACMG Guidelines, 2015. Collection method: clinical testing. Allele origin: germline.

Juno Genomics, Hangzhou Juno Genomics, Inc
Classification: Pathogenic for Thyroid dyshormonogenesis 6. Review status: criteria provided, single submitter. Criteria: ACMG Guidelines, 2015. Collection method: clinical testing. Allele origin: germline.
Comment: Absent from controls (or at extremely low frequency if recessive) in Genome Aggregation Database.;Null variant in a gene where loss of function (LOF) is a known mechanism of disease.;For recessive disorders, detected in trans with a pathogenic variant.

Literature cited by the submitters: PubMed 12110737 (cited by Labcorp Genetics (formerly Invitae), Labcorp); PubMed 18765513 (cited by Labcorp Genetics (formerly Invitae), Labcorp); PubMed 21565790 (cited by Labcorp Genetics (formerly Invitae), Labcorp); PubMed 24423310 (cited by Labcorp Genetics (formerly Invitae), Labcorp); PubMed 24735383 (cited by Labcorp Genetics (formerly Invitae), Labcorp); PubMed 21900383 (cited by Labcorp Genetics (formerly Invitae), Labcorp); PubMed 32319661 (cited by Labcorp Genetics (formerly Invitae), Labcorp).